The following is an entry in ClinVar:

NM_001128840.3(CACNA1D):c.5681A>G (p.Asp1894Gly)

Gene: CACNA1D (calcium voltage-gated channel subunit alpha1 D; plus strand). Cytogenetic location: 3p21.1.
Variant type: single nucleotide variant.
Coding change: c.5681A>G on transcript NM_001128840.3 (MANE Select); coding-DNA position 5681, A replaced by G.
Protein change: p.Asp1894Gly; replaces aspartic acid 1894 with glycine.
Molecular consequence: missense variant.
Genome position (GRCh38, 1-based): chr3:53,805,078, A>G. VCF-style: chr3-53805078-A-G. GRCh37 (hg19) VCF-style: chr3-53839105-A-G.
Other names: c.5741A>G, p.Asp1914Gly (NM_000720.4); c.5609A>G, p.Asp1870Gly (NM_001128839.3); short protein forms D1870G, D1894G, D1914G.
Identifiers: ClinVar variation 3063870 (VCV003063870.2), dbSNP rs1014488670, ClinGen allele CA74862419.

ClinVar aggregate classification (germline): Uncertain significance. Review status: criteria provided, multiple submitters, no conflicts (2 of 4 stars). 2 submissions from 2 submitters: Uncertain significance (2). Last evaluated 2025-08-18.

Allele frequency attached by ClinVar (database versions not stated): gnomAD exomes below 0.00001; TOPMed 0.00001.
gnomAD v4.1: 2 of 1,614,170 alleles (0.00012%); highest among the groups gnomAD compares: African/African-American, 0.0013%; no homozygotes.

Submissions (2):

Labcorp Genetics (formerly Invitae), Labcorp
Classification: Uncertain significance. Last evaluated: 2025-08-18. Review status: criteria provided, single submitter. Criteria: Invitae Variant Classification Sherloc (09022015). Collection method: clinical testing. Allele origin: germline.
Comment: This sequence change replaces aspartic acid, which is acidic and polar, with glycine, which is neutral and non-polar, at codon 1914 of the CACNA1D protein (p.Asp1914Gly). This variant is not present in population databases (gnomAD no frequency). This variant has not been reported in the literature in individuals affected with CACNA1D-related conditions. ClinVar contains an entry for this variant (Variation ID: 3063870). An algorithm developed to predict the effect of missense changes on protein structure and function (PolyPhen-2) suggests that this variant is likely to be tolerated. In summary, the available evidence is currently insufficient to determine the role of this variant in disease. Therefore, it has been classified as a Variant of Uncertain Significance.

Women's Health and Genetics/Laboratory Corporation of America, LabCorp
Classification: Uncertain significance. Last evaluated: 2024-01-02. Review status: criteria provided, single submitter. Criteria: LabCorp Variant Classification Summary - May 2015. Collection method: clinical testing. Allele origin: germline.
Comment: Variant summary: CACNA1D c.5741A>G (p.Asp1914Gly) results in a non-conservative amino acid change located in the Voltage-gated calcium channel subunit alpha, C-terminal (IPR031688) of the encoded protein sequence. Three of five in-silico tools predict a benign effect of the variant on protein function. The variant was absent in 251458 control chromosomes. The available data on variant occurrences in the general population are insufficient to allow any conclusion about variant significance. To our knowledge, no occurrence of c.5741A>G in individuals affected with Sinoatrial Node Dysfunction And Deafness and no experimental evidence demonstrating its impact on protein function have been reported. No submitters have cited clinical-significance assessments for this variant to ClinVar after 2014. Based on the evidence outlined above, the variant was classified as uncertain significance.